The following is an entry in ClinVar:

NM_000526.5(KRT14):c.601C>T (p.Arg201Cys)

Gene: KRT14 (keratin 14; minus strand). Cytogenetic location: 17q21.2.
Variant type: single nucleotide variant.
Coding change: c.601C>T on transcript NM_000526.5 (MANE Select); coding-DNA position 601, C replaced by T.
Protein change: p.Arg201Cys; replaces arginine 201 with cysteine.
Molecular consequence: missense variant.
Genome position (GRCh38, 1-based): chr17:41,584,982, G>A on the plus strand (C>T on the coding strand, the complement: KRT14 is on the minus strand). VCF-style: chr17-41584982-G-A. GRCh37 (hg19) VCF-style: chr17-39741234-G-A.
Other names: short protein forms R201C.
Identifiers: ClinVar variation 2899043 (VCV002899043.3), dbSNP rs781699457, ClinGen allele CA8562673.
Genomic context (GRCh38, chr17:41,584,982, plus strand): 5'-AAATGCCCTACTCTGGGGACACTGGATGTTCTGGCCCACCATTTCAAACTCACTTGGTGC[G>A]GAAGTCATCCGCGGCCAGACGGGCATTGTCAATCTGCAGAAGGACATTGGCATTGTCCAC-3'
Protein context (NP_000517.3, residues 191-211): DNARLAADDF[Arg201Cys]TKYETELNLR

ClinVar aggregate classification (germline): Uncertain significance (1 of 4 stars; one submission).

Allele frequency attached by ClinVar (database versions not stated): TOPMed 0.00002; gnomAD 0.00003; gnomAD exomes 0.00004; ExAC 0.00006.

Submission:

Labcorp Genetics (formerly Invitae), Labcorp
Classification: Uncertain significance. Last evaluated: 2024-10-23. Review status: criteria provided, single submitter. Criteria: Invitae Variant Classification Sherloc (09022015). Collection method: clinical testing. Allele origin: germline.
Comment: This sequence change replaces arginine, which is basic and polar, with cysteine, which is neutral and slightly polar, at codon 201 of the KRT14 protein (p.Arg201Cys). This variant is present in population databases (rs781699457, gnomAD 0.007%). This variant has not been reported in the literature in individuals affected with KRT14-related conditions. Invitae Evidence Modeling of protein sequence and biophysical properties (such as structural, functional, and spatial information, amino acid conservation, physicochemical variation, residue mobility, and thermodynamic stability) indicates that this missense variant is expected to disrupt KRT14 protein function with a positive predictive value of 80%. In summary, the available evidence is currently insufficient to determine the role of this variant in disease. Therefore, it has been classified as a Variant of Uncertain Significance.